The following is an entry in ClinVar:

ClinVar aggregate classification (germline): Conflicting classifications of pathogenicity. Review status: criteria provided, conflicting classifications (1 of 4 stars). 11 submissions from 11 submitters: Uncertain significance (10); Likely benign (1). Last evaluated 2026-09-18.

Conditions:
Familial adenomatous polyposis 3. Also called: NTHL1 Tumor Syndrome; NTHL1-related attenuated familial adenomatous polyposis; NTHL1-associated polyposis; NTHL1-Related Adenomatous Polyposis and Colorectal Cancer. Identifiers: Orphanet 220460, Orphanet 454840, MedGen C4225157, MONDO:0014630, OMIM 616415.
Hereditary cancer-predisposing syndrome. Also called: Neoplastic Syndromes, Hereditary; Tumor predisposition; Hereditary neoplastic syndrome; Hereditary Cancer Syndrome. Identifiers: Orphanet 140162, MedGen C0027672, MeSH D009386, MONDO:0015356.
NTHL1-related disorder. Also called: NTHL1-related conditions; NTHL1-related condition.

Allele frequency attached by ClinVar (database versions not stated): gnomAD exomes 0.00001 and 0.00008; TOPMed 0.00005; ExAC 0.00007; gnomAD 0.00007 and 0.00008.
gnomAD v4.1: 55 of 1,609,582 alleles (0.0034%); highest among the groups gnomAD compares: East Asian, 0.045%; no homozygotes.

Submissions (11):

PreventionGenetics, part of Exact Sciences
Classification: Uncertain significance for NTHL1-related condition. Last evaluated: 2026-09-18. Review status: criteria provided, single submitter. Criteria: ACMG Guidelines, 2015. Collection method: clinical testing. Allele origin: germline.
Comment: The NTHL1 c.676A>G variant is predicted to result in the amino acid substitution p.Met226Val. This variant has been reported in individuals with breast cancer as well as normal controls (Table S2, Chen et al. 2020. PubMed ID: 32091409; Table S2, Li et al. 2021. PubMed ID: 33980861). This variant is reported in 0.12% of alleles in individuals of East Asian descent in gnomAD, and has conflicting interpretations of pathogenicity in ClinVar ranging from likely benign to uncertain (Variation ID: 647670). Although we suspect that this variant may be benign, at this time, the clinical significance of this variant is uncertain due to the absence of conclusive functional and genetic evidence.

Labcorp Genetics (formerly Invitae), Labcorp
Classification: Uncertain significance. Last evaluated: 2026-01-31. Review status: criteria provided, single submitter. Criteria: Invitae Variant Classification Sherloc (09022015). Collection method: clinical testing. Allele origin: germline.
Comment: This sequence change replaces methionine, which is neutral and non-polar, with valine, which is neutral and non-polar, at codon 226 of the NTHL1 protein (p.Met226Val). This variant is present in population databases (rs367577861, gnomAD 0.1%). This variant has not been reported in the literature in individuals affected with NTHL1-related conditions. ClinVar contains an entry for this variant (Variation ID: 647670). An algorithm developed to predict the effect of missense changes on protein structure and function (PolyPhen-2) suggests that this variant is likely to be tolerated. In summary, the available evidence is currently insufficient to determine the role of this variant in disease. Therefore, it has been classified as a Variant of Uncertain Significance.

Quest Diagnostics Nichols Institute San Juan Capistrano
Classification: Uncertain significance. Last evaluated: 2025-08-25. Review status: criteria provided, single submitter. Criteria: Quest Diagnostics criteria. Collection method: clinical testing. Allele origin: unknown.
Comment: The NTHL1 c.676A>G (p.Met226Val) variant has been reported in the published literature in individuals with breast cancer (PMIDs: 32091409 (2020), 33980861 (2021)) and reportedly unaffected individuals (PMID: 33980861 (2021)). The frequency of this variant in the general population (Genome Aggregation Database) is higher than would generally be expected for pathogenic variants in this gene. Analysis of this variant using bioinformatics tools for the prediction of the effect of amino acid changes on protein structure and function yielded conflicting predictions that this variant is deleterious or benign. Based on the available information, we are unable to determine the clinical significance of this variant.

St. Jude Molecular Pathology, St. Jude Children's Research Hospital
Classification: Uncertain significance for Familial adenomatous polyposis 3. Last evaluated: 2025-06-17. Review status: criteria provided, single submitter. Criteria: St. Jude Assertion Criteria 2020. Collection method: clinical testing. Allele origin: germline.
Comment: The NTHL1 c.652A>G p.(Met218Val) missense change has a maximum subpopulation frequency of 0.1% in gnomAD v2.1.1. The in silico tool REVEL predicts a deleterious effect on protein function, but to our knowledge this prediction has not been confirmed by functional studies. To our knowledge, this variant has not been reported in individuals with NTHL1-associated polyposis. In summary, the evidence currently available is insufficient to determine the clinical significance of this variant. It has therefore been classified as of uncertain significance.

GeneDx
Classification: Uncertain significance. Last evaluated: 2024-07-31. Review status: criteria provided, single submitter. Criteria: GeneDx Variant Classification Process June 2021. Collection method: clinical testing. Allele origin: germline. Affected: yes.
Comment: In silico analysis supports that this missense variant has a deleterious effect on protein structure/function; This variant is associated with the following publications: (PMID: 32091409, 33980861)

Molecular Pathology, Peter Maccallum Cancer Centre
Classification: Uncertain significance for Familial adenomatous polyposis 3. Last evaluated: 2024-06-27. Review status: criteria provided, single submitter. Criteria: ACMG Guidelines, 2015. Collection method: clinical testing. Allele origin: germline. Inheritance: Autosomal recessive inheritance.

Fulgent Genetics
Classification: Uncertain significance for Familial adenomatous polyposis 3. Last evaluated: 2024-03-05. Review status: criteria provided, single submitter. Criteria: ACMG Guidelines, 2015. Collection method: clinical testing. Allele origin: germline.

Baylor Genetics
Classification: Uncertain significance for Familial adenomatous polyposis 3. Last evaluated: 2024-02-19. Review status: criteria provided, single submitter. Criteria: ACMG Guidelines, 2015. Collection method: clinical testing. Allele origin: unknown.

Department of Pathology and Laboratory Medicine, Sinai Health System
Classification: Uncertain significance for Familial adenomatous polyposis 3. Last evaluated: 2022-11-15. Review status: criteria provided, single submitter. Criteria: ACMG Guidelines, 2015. Collection method: clinical testing. Allele origin: germline. Affected: yes.

Ambry Genetics
Classification: Likely benign for Hereditary cancer-predisposing syndrome. Last evaluated: 2022-09-01. Review status: criteria provided, single submitter. Criteria: Ambry Variant Classification Scheme 2023. Collection method: clinical testing. Allele origin: germline.

Sema4
Classification: Uncertain significance for Hereditary cancer-predisposing syndrome. Last evaluated: 2021-12-30. Review status: criteria provided, single submitter. Criteria: Sema4 Curation Guidelines. Collection method: curation. Allele origin: germline.
Comment: The NTHL1 c.676A>G (p.M226V) variant has been reported in heterozygosity in at least one individual with breast cancer (PMID: 32091409). It was observed in 23/19928 chromosomes of the East Asian subpopulation, with no homozygotes, in the large and broad cohorts of the Genome Aggregation Database. The variant has been reported in ClinVar (Variation ID 647670). In silico tools suggest the impact of the variant on protein function is deleterious, though these predictions have not been confirmed by functional studies. The evidence is insufficient to meet ACMG/AMP criteria for classifying the variant as benign or pathogenic. Thus, the clinical significance of this variant is currently uncertain.

Literature cited by the submitters: PubMed 32091409 (cited by 3 submitters); PubMed 33980861 (cited by Quest Diagnostics Nichols Institute San Juan Capistrano).

NM_002528.7(NTHL1):c.652A>G (p.Met218Val)

Gene: NTHL1 (nth like DNA glycosylase 1; minus strand). Cytogenetic location: 16p13.3.
Variant type: single nucleotide variant.
Coding change: c.652A>G on transcript NM_002528.7 (MANE Select); coding-DNA position 652, A replaced by G.
Protein change: p.Met218Val; replaces methionine 218 with valine.
Molecular consequence: missense variant.
Genome position (GRCh38, 1-based): chr16:2,043,600, T>C on the plus strand (A>G on the coding strand, the complement: NTHL1 is on the minus strand). VCF-style: chr16-2043600-T-C. GRCh37 (hg19) VCF-style: chr16-2093601-T-C.
Other names: c.652A>G, p.Met218Val (LRG_1366t1); c.481A>G, p.Met161Val (NM_001318193.2); c.322A>G, p.Met108Val (NM_001318194.2); short protein forms M108V, M161V, M218V.
Identifiers: ClinVar variation 647670 (VCV000647670.27), dbSNP rs367577861, ClinGen allele CA7828182.